The following is an entry in ClinVar:

ClinVar aggregate classification (germline): Uncertain significance (1 of 4 stars; one submission).

Conditions:
Landau-Kleffner syndrome (FESD). Also called: EPILEPSY, FOCAL, WITH SPEECH DISORDER AND WITH OR WITHOUT MENTAL RETARDATION; APHASIA, ACQUIRED, WITH EPILEPSY. Identifiers: Orphanet 1945, Orphanet 725, Orphanet 98818, MedGen C0282512, MONDO:0009509, OMIM 245570.

Submission:

Labcorp Genetics (formerly Invitae), Labcorp
Classification: Uncertain significance for Landau-Kleffner syndrome. Last evaluated: 2023-08-17. Review status: criteria provided, single submitter. Criteria: Invitae Variant Classification Sherloc (09022015). Collection method: clinical testing. Allele origin: germline.
Comment: In summary, the available evidence is currently insufficient to determine the role of this variant in disease. Therefore, it has been classified as a Variant of Uncertain Significance. Advanced modeling of protein sequence and biophysical properties (such as structural, functional, and spatial information, amino acid conservation, physicochemical variation, residue mobility, and thermodynamic stability) performed at Invitae indicates that this missense variant is expected to disrupt GRIN2A protein function. ClinVar contains an entry for this variant (Variation ID: 1720985). This variant has not been reported in the literature in individuals affected with GRIN2A-related conditions. This variant is not present in population databases (gnomAD no frequency). This sequence change replaces valine, which is neutral and non-polar, with phenylalanine, which is neutral and non-polar, at codon 537 of the GRIN2A protein (p.Val537Phe).

NM_001134407.3(GRIN2A):c.1609G>T (p.Val537Phe)

Gene: GRIN2A (glutamate ionotropic receptor NMDA type subunit 2A; minus strand). Cytogenetic location: 16p13.2.
Variant type: single nucleotide variant.
Coding change: c.1609G>T on transcript NM_001134407.3 (MANE Select); coding-DNA position 1609, G replaced by T.
Protein change: p.Val537Phe; replaces valine 537 with phenylalanine.
Molecular consequence: missense variant.
Genome position (GRCh38, 1-based): chr16:9,840,689, C>A on the plus strand (G>T on the coding strand, the complement: GRIN2A is on the minus strand). VCF-style: chr16-9840689-C-A. GRCh37 (hg19) VCF-style: chr16-9934546-C-A.
Other names: c.1609G>T, p.Val537Phe (NM_000833.5, NM_001134408.2); short protein forms V537F.
Identifiers: ClinVar variation 1720985 (VCV001720985.6), dbSNP rs2141342293, ClinGen allele CA394800260.